The following is an entry in ClinVar:

NM_014252.4(SLC25A15):c.315-272G>A

Gene: SLC25A15 (solute carrier family 25 member 15; plus strand). Cytogenetic location: 13q14.11.
Variant type: single nucleotide variant.
Coding change: c.315-272G>A on transcript NM_014252.4 (MANE Select); 272 bases into the intron before coding-DNA position 315, G replaced by A.
Molecular consequence: intron variant.
Genome position (GRCh38, 1-based): chr13:40,804,846, G>A. VCF-style: chr13-40804846-G-A. GRCh37 (hg19) VCF-style: chr13-41378982-G-A.
Identifiers: ClinVar variation 672018 (VCV000672018.1), dbSNP rs73174824, ClinGen allele CA248378643.

ClinVar aggregate classification (germline): Benign (1 of 4 stars; one submission).

Allele frequency attached by ClinVar (database versions not stated): 1000 Genomes Project 0.03934; 1000 Genomes Project 30x 0.03966; gnomAD 0.06061 and 0.06152; TOPMed 0.06274.
gnomAD v4.1: 9,335 of 151,926 alleles (6.1%); highest among the groups gnomAD compares: Middle Eastern, 9.5%; 360 homozygotes.

Submission:

GeneDx
Classification: Benign. Last evaluated: 2018-06-19. Review status: criteria provided, single submitter. Criteria: GeneDx Variant Classification (06012015). Collection method: clinical testing. Allele origin: germline. Affected: yes.
Comment: This variant is considered likely benign or benign based on one or more of the following criteria: it is a conservative change, it occurs at a poorly conserved position in the protein, it is predicted to be benign by multiple in silico algorithms, and/or has population frequency not consistent with disease.